The following is an entry in ClinVar:

NM_001110556.2(FLNA):c.2801C>T (p.Thr934Ile)

Gene: FLNA (filamin A; minus strand). Cytogenetic location: Xq28.
Variant type: single nucleotide variant.
Coding change: c.2801C>T on transcript NM_001110556.2 (MANE Select); coding-DNA position 2801, C replaced by T.
Protein change: p.Thr934Ile; replaces threonine 934 with isoleucine.
Molecular consequence: missense variant.
Genome position (GRCh38, 1-based): chrX:154,362,004, G>A on the plus strand (C>T on the coding strand, the complement: FLNA is on the minus strand). VCF-style: chrX-154362004-G-A. GRCh37 (hg19) VCF-style: chrX-153590372-G-A.
Other names: c.2801C>T, p.Thr934Ile (NM_001456.4); short protein forms T934I.
Identifiers: ClinVar variation 1310401 (VCV001310401.2), dbSNP rs2148113991, ClinGen allele CA415232383.

ClinVar aggregate classification (germline): Uncertain significance (1 of 4 stars; one submission).

Submission:

GeneDx
Classification: Uncertain significance. Last evaluated: 2019-12-11. Review status: criteria provided, single submitter. Criteria: GeneDx Variant Classification Process June 2021. Collection method: clinical testing. Allele origin: germline. Affected: yes.
Comment: Not observed in large population cohorts (Lek et al., 2016); In silico analysis, which includes protein predictors and evolutionary conservation, supports a deleterious effect; Has not been previously published as pathogenic or benign to our knowledge